The following is an entry in ClinVar:

ClinVar aggregate classification (germline): Uncertain significance (1 of 4 stars; one submission).

gnomAD v4.1: 2 of 1,613,932 alleles (0.00012%); highest among the groups gnomAD compares: South Asian, 0.0011%; no homozygotes.

Submission:

CeGaT Center for Human Genetics Tuebingen
Classification: Uncertain significance. Last evaluated: 2025-06-01. Review status: criteria provided, single submitter. Criteria: CeGaT Center For Human Genetics Tuebingen Variant Classification Criteria Version 2. Collection method: clinical testing. Allele origin: germline. Affected: yes. Observed: 1 variant allele.
Comment: SYNE1: PM2, BP4

NM_182961.4(SYNE1):c.14189T>C (p.Val4730Ala)

Gene: SYNE1 (spectrin repeat containing nuclear envelope protein 1; minus strand). Cytogenetic location: 6q25.2.
Variant type: single nucleotide variant.
Coding change: c.14189T>C on transcript NM_182961.4 (MANE Select); coding-DNA position 14189, T replaced by C.
Protein change: p.Val4730Ala; replaces valine 4730 with alanine.
Molecular consequence: missense variant.
Genome position (GRCh38, 1-based): chr6:152,330,496, A>G on the plus strand (T>C on the coding strand, the complement: SYNE1 is on the minus strand). VCF-style: chr6-152330496-A-G. GRCh37 (hg19) VCF-style: chr6-152651631-A-G.
Other names: c.13976T>C, p.Val4659Ala (NM_033071.5); short protein forms V4659A, V4730A.
Identifiers: ClinVar variation 3906108 (VCV003906108.10).